The following is an entry in ClinVar:

ClinVar aggregate classification (germline): Conflicting classifications of pathogenicity. Review status: criteria provided, conflicting classifications (1 of 4 stars). 2 submissions from 2 submitters: Uncertain significance (1); Likely benign (1). Last evaluated 2025-07-17.

Conditions:
Acute myeloid leukemia (AML). Also called: Acute myeloid leukemia, adult; AML adult; Acute non-lymphocytic leukemia; Acute granulocytic leukemia; Leukemia, acute myeloid, somatic; Leukemia, acute myelogenous, somatic. Identifiers: Orphanet 519, MedGen C0023467, MeSH D015470, MONDO:0018874, OMIM 601626, HP:0004808. Disease mechanism: Constitutively activated FLT3.
Inborn genetic diseases. Identifiers: MedGen C0950123, MeSH D030342.

gnomAD v4.1: 2 of 1,306,408 alleles (0.00015%); highest among the groups gnomAD compares: Non-Finnish European, 0.00019%; no homozygotes.

Submissions (2):

Ambry Genetics
Classification: Likely benign for Inborn genetic diseases. Last evaluated: 2025-07-17. Review status: criteria provided, single submitter. Criteria: Ambry Variant Classification Scheme 2023. Collection method: clinical testing. Allele origin: germline.

Labcorp Genetics (formerly Invitae), Labcorp
Classification: Uncertain significance for Acute myeloid leukemia. Last evaluated: 2023-04-13. Review status: criteria provided, single submitter. Criteria: Invitae Variant Classification Sherloc (09022015). Collection method: clinical testing. Allele origin: germline.
Comment: This sequence change replaces proline, which is neutral and non-polar, with leucine, which is neutral and non-polar, at codon 14 of the CEBPA protein (p.Pro14Leu). This variant is not present in population databases (gnomAD no frequency). This variant has not been reported in the literature in individuals affected with CEBPA-related conditions. Advanced modeling of protein sequence and biophysical properties (such as structural, functional, and spatial information, amino acid conservation, physicochemical variation, residue mobility, and thermodynamic stability) performed at Invitae indicates that this missense variant is not expected to disrupt CEBPA protein function. In summary, the available evidence is currently insufficient to determine the role of this variant in disease. Therefore, it has been classified as a Variant of Uncertain Significance.

NM_004364.5(CEBPA):c.41C>T (p.Pro14Leu)

Genes: CEBPA (CCAAT enhancer binding protein alpha; minus strand), LOC130064183 (ATAC-STARR-seq lymphoblastoid silent region 10495; plus strand). Cytogenetic location: 19q13.11.
Variant type: single nucleotide variant.
Coding change: c.41C>T on transcript NM_004364.5 (MANE Select); coding-DNA position 41, C replaced by T.
Protein change: p.Pro14Leu; replaces proline 14 with leucine.
Molecular consequence: missense variant. On other transcripts: 5 prime UTR variant (2).
Genome position (GRCh38, 1-based): chr19:33,302,374, G>A on the plus strand (C>T on the coding strand, the complement: CEBPA is on the minus strand). VCF-style: chr19-33302374-G-A. GRCh37 (hg19) VCF-style: chr19-33793280-G-A.
Other names: c.-317C>T (NM_001285829.2); c.146C>T, p.Pro49Leu (NM_001287424.2); c.-2C>T (NM_001287435.2); short protein forms P49L, P14L.
Identifiers: ClinVar variation 2768835 (VCV002768835.4), dbSNP rs1007915253, ClinGen allele CA405275804.